The following is an entry in ClinVar:

NM_024570.4(RNASEH2B):c.607G>C (p.Asp203His)

Gene: RNASEH2B (ribonuclease H2 subunit B; plus strand). Cytogenetic location: 13q14.3.
Variant type: single nucleotide variant.
Coding change: c.607G>C on transcript NM_024570.4 (MANE Select); coding-DNA position 607, G replaced by C.
Protein change: p.Asp203His; replaces aspartic acid 203 with histidine.
Molecular consequence: missense variant.
Genome position (GRCh38, 1-based): chr13:50,945,523, G>C. VCF-style: chr13-50945523-G-C. GRCh37 (hg19) VCF-style: chr13-51519659-G-C.
Other names: c.607G>C, p.Asp203His (NM_001142279.2, NM_001411023.1); short protein forms D203H.
Identifiers: ClinVar variation 2106707 (VCV002106707.4), dbSNP rs2541526787, ClinGen allele CA388259741.

ClinVar aggregate classification (germline): Uncertain significance (1 of 4 stars; one submission).

Conditions:
Aicardi-Goutieres syndrome 2. Identifiers: Orphanet 51, MedGen C3489724, MONDO:0012429, OMIM 610181.

Allele frequency attached by ClinVar (database versions not stated): gnomAD exomes below 0.00001.
gnomAD v4.1: 2 of 1,609,066 alleles (0.00012%); highest among the groups gnomAD compares: Non-Finnish European, 0.00017%; no homozygotes.

Submission:

Labcorp Genetics (formerly Invitae), Labcorp
Classification: Uncertain significance for Aicardi-Goutieres syndrome 2. Last evaluated: 2022-03-03. Review status: criteria provided, single submitter. Criteria: Invitae Variant Classification Sherloc (09022015). Collection method: clinical testing. Allele origin: germline.
Comment: This sequence change replaces aspartic acid, which is acidic and polar, with histidine, which is basic and polar, at codon 203 of the RNASEH2B protein (p.Asp203His). This variant is not present in population databases (gnomAD no frequency). This variant has not been reported in the literature in individuals affected with RNASEH2B-related conditions. Algorithms developed to predict the effect of missense changes on protein structure and function (SIFT, PolyPhen-2, Align-GVGD) all suggest that this variant is likely to be tolerated. In summary, the available evidence is currently insufficient to determine the role of this variant in disease. Therefore, it has been classified as a Variant of Uncertain Significance.